The following is an entry in ClinVar:

NM_002474.3(MYH11):c.5271C>A (p.Asp1757Glu)

Genes: MYH11 (myosin heavy chain 11; minus strand), NDE1 (nudE neurodevelopment protein 1; plus strand). Cytogenetic location: 16p13.11.
Variant type: single nucleotide variant.
Coding change: c.5271C>A on transcript NM_002474.3 (MANE Select); coding-DNA position 5271, C replaced by A.
Protein change: p.Asp1757Glu; replaces aspartic acid 1757 with glutamic acid.
Molecular consequence: missense variant. On other transcripts: intron variant (2).
Genome position (GRCh38, 1-based): chr16:15,718,339, G>T on the plus strand (C>A on the coding strand, the complement: MYH11 is on the minus strand). VCF-style: chr16-15718339-G-T. GRCh37 (hg19) VCF-style: chr16-15812196-G-T.
Other names: c.5292C>A, p.Asp1764Glu (NM_001040113.2, NM_001040114.2); c.5271C>A, p.Asp1757Glu (NM_022844.3); c.948-5852G>T (NM_001143979.2, NM_017668.3); short protein forms D1764E, D1757E.
Identifiers: ClinVar variation 465748 (VCV000465748.21), dbSNP rs146043349, ClinGen allele CA7921350.
Genomic context (GRCh38, chr16:15,718,339, plus strand): 5'-TAGGCAGCGTGACTGTGGTGTCCAGGCGGCCCTCACCTGCTGTGTGGCTTTGCGGACCCG[G>T]TCGCTCATGGCCTCCATGTTGCCCTGCTCCTCCTCCAGCTCCTCCTCCAGCTGGGCGATC-3'
Protein context (NP_002465.1, residues 1747-1767): EEQGNMEAMS[Asp1757Glu]RVRKATQQAE

ClinVar aggregate classification (germline): Likely benign. Review status: criteria provided, multiple submitters, no conflicts (2 of 4 stars). 6 submissions from 6 submitters: Likely benign (6). Last evaluated 2026-06-19.

Conditions:
MYH11-related disorder. Also called: MYH11-related condition.
Familial thoracic aortic aneurysm and aortic dissection (TAAD). Also called: Thoracic aortic aneurysms and dissections. Identifiers: Orphanet 91387, MedGen C4707243, MONDO:0019625.
Aortic aneurysm, familial thoracic 4 (AAT4). Also called: AORTIC ANEURYSM/AORTIC DISSECTION AND PATENT DUCTUS ARTERIOSUS. Identifiers: MedGen C1851504, MONDO:0007568, OMIM 132900.

Allele frequency attached by ClinVar (database versions not stated): gnomAD exomes 0.00009; ExAC 0.00011; gnomAD 0.00034 and 0.00036; ESP Exome Variant Server 0.00046; TOPMed 0.00051; 1000 Genomes Project 0.00060; 1000 Genomes Project 30x 0.00062.
gnomAD v4.1: 98 of 1,609,092 alleles (0.0061%); highest among the groups gnomAD compares: African/African-American, 0.096%; no homozygotes.

Submissions (6):

Women's Health and Genetics/Laboratory Corporation of America, LabCorp
Classification: Likely benign. Last evaluated: 2026-06-19. Review status: criteria provided, single submitter. Criteria: LabCorp Variant Classification Summary - May 2015. Collection method: clinical testing. Allele origin: germline.

Labcorp Genetics (formerly Invitae), Labcorp
Classification: Likely benign for Aortic aneurysm, familial thoracic 4. Last evaluated: 2025-12-08. Review status: criteria provided, single submitter. Criteria: Invitae Variant Classification Sherloc (09022015). Collection method: clinical testing. Allele origin: germline.

PreventionGenetics, part of Exact Sciences
Classification: Likely benign for MYH11-related condition. Last evaluated: 2025-05-01. Review status: criteria provided, single submitter. Criteria: ACMG Guidelines, 2015. Collection method: clinical testing. Allele origin: germline.
Comment: This variant is classified as likely benign based on ACMG/AMP sequence variant interpretation guidelines (Richards et al. 2015 PMID: 25741868, with internal and published modifications).

Ambry Genetics
Classification: Likely benign for Familial thoracic aortic aneurysm and aortic dissection. Last evaluated: 2024-08-29. Review status: criteria provided, single submitter. Criteria: Ambry Variant Classification Scheme 2023. Collection method: clinical testing. Allele origin: germline.

GeneDx
Classification: Likely benign. Last evaluated: 2021-02-08. Review status: criteria provided, single submitter. Criteria: GeneDx Variant Classification Process June 2021. Collection method: clinical testing. Allele origin: germline. Affected: yes.

Color Diagnostics, LLC DBA Color Health
Classification: Likely benign for Familial thoracic aortic aneurysm and aortic dissection. Last evaluated: 2019-03-24. Review status: criteria provided, single submitter. Criteria: ACMG Guidelines, 2015. Collection method: clinical testing. Allele origin: germline.